The following is an entry in ClinVar:

NM_016103.4(SAR1B):c.512G>A (p.Arg171Gln)

Gene: SAR1B (secretion associated Ras related GTPase 1B; minus strand). Cytogenetic location: 5q31.1.
Variant type: single nucleotide variant.
Coding change: c.512G>A on transcript NM_016103.4 (MANE Select); coding-DNA position 512, G replaced by A.
Protein change: p.Arg171Gln; replaces arginine 171 with glutamine.
Molecular consequence: missense variant.
Genome position (GRCh38, 1-based): chr5:134,607,035, C>T on the plus strand (G>A on the coding strand, the complement: SAR1B is on the minus strand). VCF-style: chr5-134607035-C-T. GRCh37 (hg19) VCF-style: chr5-133942725-C-T.
Other names: c.512G>A, p.Arg171Gln (NM_001033503.3); short protein forms R171Q.
Identifiers: ClinVar variation 2200980 (VCV002200980.1), dbSNP rs372284979, ClinGen allele CA3414406.
Genomic context (GRCh38, chr5:134,607,035, plus strand): 5'-CGGAAGCCTTCTCCGTAACCTTGTCTTTTGAGCACACTACACATGAAAACTTCTAAGGGT[C>T]GGGCATTCAGTTCTTTCAGAGATATACTCCCCTAGAATAGAAGAGAGACATTTCGTTGGA-3'
Protein context (NP_057187.1, residues 161-181): GSISLKELNA[Arg171Gln]PLEVFMCSVL

ClinVar aggregate classification (germline): Uncertain significance (1 of 4 stars; one submission).

Allele frequency attached by ClinVar (database versions not stated): ExAC 0.00012; ESP Exome Variant Server 0.00015.
gnomAD v4.1: 246 of 1,613,680 alleles (0.015%); highest among the groups gnomAD compares: Non-Finnish European, 0.02%; no homozygotes.

Submission:

Labcorp Genetics (formerly Invitae), Labcorp
Classification: Uncertain significance. Last evaluated: 2022-10-02. Review status: criteria provided, single submitter. Criteria: Invitae Variant Classification Sherloc (09022015). Collection method: clinical testing. Allele origin: germline.
Comment: This sequence change replaces arginine, which is basic and polar, with glutamine, which is neutral and polar, at codon 171 of the SAR1B protein (p.Arg171Gln). This variant is present in population databases (rs372284979, gnomAD 0.02%). This missense change has been observed in individual(s) with dyslipidemia (PMID: 32041611). Algorithms developed to predict the effect of missense changes on protein structure and function (SIFT, PolyPhen-2, Align-GVGD) all suggest that this variant is likely to be disruptive. In summary, the available evidence is currently insufficient to determine the role of this variant in disease. Therefore, it has been classified as a Variant of Uncertain Significance.

Literature cited by the submitters: PubMed 32041611.